The following is an entry in ClinVar:

ClinVar aggregate classification (germline): Uncertain significance (1 of 4 stars; one submission).

Conditions:
EGFR-related lung cancer (EGFR). Identifiers: MedGen CN130014.

Submission:

Labcorp Genetics (formerly Invitae), Labcorp
Classification: Uncertain significance for EGFR-related lung cancer. Last evaluated: 2024-03-18. Review status: criteria provided, single submitter. Criteria: Invitae Variant Classification Sherloc (09022015). Collection method: clinical testing. Allele origin: germline.
Comment: This sequence change replaces alanine, which is neutral and non-polar, with threonine, which is neutral and polar, at codon 1048 of the EGFR protein (p.Ala1048Thr). This variant is not present in population databases (gnomAD no frequency). This variant has not been reported in the literature in individuals affected with EGFR-related conditions. Algorithms developed to predict the effect of missense changes on protein structure and function output the following: SIFT: "Not Available"; PolyPhen-2: "Benign"; Align-GVGD: "Not Available". The threonine amino acid residue is found in multiple mammalian species, which suggests that this missense change does not adversely affect protein function. In summary, the available evidence is currently insufficient to determine the role of this variant in disease. Therefore, it has been classified as a Variant of Uncertain Significance.

NM_005228.5(EGFR):c.3142G>A (p.Ala1048Thr)

Gene: EGFR (epidermal growth factor receptor; plus strand). Cytogenetic location: 7p11.2.
Variant type: single nucleotide variant.
Coding change: c.3142G>A on transcript NM_005228.5 (MANE Select); coding-DNA position 3142, G replaced by A.
Protein change: p.Ala1048Thr; replaces alanine 1048 with threonine.
Molecular consequence: missense variant.
Genome position (GRCh38, 1-based): chr7:55,201,762, G>A. VCF-style: chr7-55201762-G-A. GRCh37 (hg19) VCF-style: chr7-55269455-G-A.
Other names: c.3007G>A, p.Ala1003Thr (NM_001346897.2, NM_001346899.2); c.3142G>A, p.Ala1048Thr (NM_001346898.2); c.2983G>A, p.Ala995Thr (NM_001346900.2); c.2341G>A, p.Ala781Thr (NM_001346941.2); short protein forms A1003T, A995T, A1048T, A781T.
Identifiers: ClinVar variation 3646539 (VCV003646539.2).